The following is an entry in ClinVar:

NM_001378477.3(NYX):c.844C>A (p.Arg282Ser)

Gene: NYX (nyctalopin; plus strand). Cytogenetic location: Xp11.4.
Variant type: single nucleotide variant.
Coding change: c.844C>A on transcript NM_001378477.3 (MANE Select); coding-DNA position 844, C replaced by A.
Protein change: p.Arg282Ser; replaces arginine 282 with serine.
Molecular consequence: missense variant.
Genome position (GRCh38, 1-based): chrX:41,474,312, C>A. VCF-style: chrX-41474312-C-A. GRCh37 (hg19) VCF-style: chrX-41333565-C-A.
Other names: c.844C>A, p.Arg282Ser (NM_022567.3); short protein forms R282S.
Identifiers: ClinVar variation 2810123 (VCV002810123.3), dbSNP rs1247864007, ClinGen allele CA412991397.
Genomic context (GRCh38, chrX:41,474,312, plus strand): 5'-GACCGCGTGGCGCGCGCCTGGTTCGCTGACCTGGCCGAGCTCGAGCTGCTCTACCTGGAC[C>A]GCAACAGCATCGCCTTCGTGGAGGAGGGCGCCTTCCAGAACCTCTCGGGTCTCCTCGCGC-3'
Protein context (NP_001365406.2, residues 272-292): LAELELLYLD[Arg282Ser]NSIAFVEEGA

ClinVar aggregate classification (germline): Uncertain significance (1 of 4 stars; one submission).

gnomAD v4.1: 3 of 1,208,480 alleles (0.00025%); highest among the groups gnomAD compares: East Asian, 0.0089%; no homozygotes.

Submission:

Labcorp Genetics (formerly Invitae), Labcorp
Classification: Uncertain significance. Last evaluated: 2023-11-07. Review status: criteria provided, single submitter. Criteria: Invitae Variant Classification Sherloc (09022015). Collection method: clinical testing. Allele origin: germline.
Comment: This sequence change replaces arginine, which is basic and polar, with serine, which is neutral and polar, at codon 287 of the NYX protein (p.Arg287Ser). This variant is present in population databases (no rsID available, gnomAD 0.02%). This variant has not been reported in the literature in individuals affected with NYX-related conditions. Advanced modeling of protein sequence and biophysical properties (such as structural, functional, and spatial information, amino acid conservation, physicochemical variation, residue mobility, and thermodynamic stability) performed at Invitae indicates that this missense variant is not expected to disrupt NYX protein function with a negative predictive value of 80%. In summary, the available evidence is currently insufficient to determine the role of this variant in disease. Therefore, it has been classified as a Variant of Uncertain Significance.